The following is an entry in ClinVar:

ClinVar aggregate classification (germline): Uncertain significance. Review status: criteria provided, multiple submitters, no conflicts (2 of 4 stars). 2 submissions from 2 submitters: Uncertain significance (2). Last evaluated 2023-06-29.

Conditions:
Inborn genetic diseases. Identifiers: MedGen C0950123, MeSH D030342.
Combined immunodeficiency due to LRBA deficiency. Also called: Common variable immunodeficiency 8, with autoimmunity. Identifiers: Orphanet 445018, MedGen C3553512, MONDO:0013863, OMIM 614700.

Allele frequency attached by ClinVar (database versions not stated): gnomAD exomes below 0.00001.

Submissions (2):

Ambry Genetics
Classification: Uncertain significance for Inborn genetic diseases. Last evaluated: 2023-06-29. Review status: criteria provided, single submitter. Criteria: Ambry Variant Classification Scheme 2023. Collection method: clinical testing. Allele origin: germline.

Labcorp Genetics (formerly Invitae), Labcorp
Classification: Uncertain significance for Combined immunodeficiency due to LRBA deficiency. Last evaluated: 2018-08-17. Review status: criteria provided, single submitter. Criteria: Invitae Variant Classification Sherloc (09022015). Collection method: clinical testing. Allele origin: germline.
Comment: In summary, the available evidence is currently insufficient to determine the role of this variant in disease. Therefore, it has been classified as a Variant of Uncertain Significance. Algorithms developed to predict the effect of missense changes on protein structure and function are either unavailable or do not agree on the potential impact of this missense change (SIFT: "Tolerated"; PolyPhen-2: "Probably Damaging"; Align-GVGD: "Class C0"). This variant has not been reported in the literature in individuals with LRBA-related disease. This variant is not present in population databases (ExAC no frequency). This sequence change replaces valine with alanine at codon 50 of the LRBA protein (p.Val50Ala). The valine residue is weakly conserved and there is a small physicochemical difference between valine and alanine.

NM_001364905.1(LRBA):c.149T>C (p.Val50Ala)

Gene: LRBA (LPS responsive beige-like anchor protein; minus strand). Cytogenetic location: 4q31.3.
Variant type: single nucleotide variant.
Coding change: c.149T>C on transcript NM_001364905.1 (MANE Select); coding-DNA position 149, T replaced by C.
Protein change: p.Val50Ala; replaces valine 50 with alanine.
Molecular consequence: missense variant.
Genome position (GRCh38, 1-based): chr4:151,014,494, A>G on the plus strand (T>C on the coding strand, the complement: LRBA is on the minus strand). VCF-style: chr4-151014494-A-G. GRCh37 (hg19) VCF-style: chr4-151935646-A-G.
Other names: c.149T>C, p.Val50Ala (NM_001199282.3, NM_001367550.1, NM_006726.5); short protein forms V50A.
Identifiers: ClinVar variation 654372 (VCV000654372.9), dbSNP rs1313934523, ClinGen allele CA358610855.
Genomic context (GRCh38, chr4:151,014,494, plus strand): 5'-AAGACAGTTTCTACAATATCCCTATTGGATACTTCTCCAACTTCAACCAAACCGGTCAAC[A>G]CGGCAAATTTCATTCTGATGCCCCTGATGGGGAGCCCTGGTTTCAGAGACAATGCACCCC-3'
Protein context (NP_001351834.1, residues 40-60): PIRGIRMKFA[Val50Ala]LTGLVEVGEV